The following is an entry in ClinVar:

NM_138982.4(MAPK10):c.1252+4C>T

Gene: MAPK10 (mitogen-activated protein kinase 10; minus strand). Cytogenetic location: 4q21.3.
Variant type: single nucleotide variant.
Coding change: c.1252+4C>T on transcript NM_138982.4 (MANE Select); 4 bases into the intron after coding-DNA position 1252, C replaced by T.
Molecular consequence: intron variant.
Genome position (GRCh38, 1-based): chr4:86,029,193, G>A on the plus strand (C>T on the coding strand, the complement: MAPK10 is on the minus strand). VCF-style: chr4-86029193-G-A. GRCh37 (hg19) VCF-style: chr4-86950346-G-A.
Other names: c.1252+4C>T (NM_002753.6, NM_001318069.2, NM_001318067.1); c.1138+4C>T (NM_001351624.2, NM_001351625.3, NM_001363657.3 and 1 more transcripts); c.817+4C>T (NM_001318068.1).
Identifiers: ClinVar variation 3057977 (VCV003057977.2), dbSNP rs778173279, ClinGen allele CA2994993.

ClinVar aggregate classification (germline): Likely benign (0 of 4 stars; one submission).

Conditions:
MAPK10-related disorder. Also called: MAPK10-related condition.

Allele frequency attached by ClinVar (database versions not stated): ExAC 0.00002; gnomAD exomes 0.00002; gnomAD 0.00003; TOPMed 0.00003.
gnomAD v4.1: 27 of 1,596,754 alleles (0.0017%); highest among the groups gnomAD compares: Non-Finnish European, 0.0023%; no homozygotes.

Submission:

PreventionGenetics, part of Exact Sciences
Classification: Likely benign for MAPK10-related condition. Last evaluated: 2019-03-22. Review status: no assertion criteria provided. Collection method: clinical testing. Allele origin: germline.
Comment: This variant is classified as likely benign based on ACMG/AMP sequence variant interpretation guidelines (Richards et al. 2015 PMID: 25741868, with internal and published modifications).